The following is an entry in ClinVar:

ClinVar aggregate classification (germline): Uncertain significance. Review status: criteria provided, multiple submitters, no conflicts (2 of 4 stars). 3 submissions from 3 submitters: Uncertain significance (3). Last evaluated 2025-05-15.

Conditions:
Dilated cardiomyopathy 1S (CMD1S). Identifiers: Orphanet 154, Orphanet 54260, MedGen C1834481, MONDO:0013262, OMIM 613426.
Cardiovascular phenotype. Identifiers: MedGen CN230736.
Hypertrophic cardiomyopathy. Also called: HYPERTROPHIC MYOCARDIOPATHY. Identifiers: Orphanet 217569, MedGen C0007194, MeSH D002312, MONDO:0005045, HP:0001639.

Submissions (3):

Department of Human Genetics, Hannover Medical School
Classification: Uncertain significance for Dilated cardiomyopathy 1S. Last evaluated: 2025-05-15. Review status: criteria provided, single submitter. Criteria: ACMG Guidelines, 2015. Collection method: clinical testing. Allele origin: germline. Inheritance: Autosomal dominant inheritance. Affected: yes.
Comment: Clingen MYH7: PM1, PM2_Supporting

Labcorp Genetics (formerly Invitae), Labcorp
Classification: Uncertain significance for Hypertrophic cardiomyopathy. Last evaluated: 2024-12-02. Review status: criteria provided, single submitter. Criteria: Invitae Variant Classification Sherloc (09022015). Collection method: clinical testing. Allele origin: germline.
Comment: This sequence change replaces methionine, which is neutral and non-polar, with arginine, which is basic and polar, at codon 349 of the MYH7 protein (p.Met349Arg). This variant is not present in population databases (gnomAD no frequency). This variant has not been reported in the literature in individuals affected with MYH7-related conditions. ClinVar contains an entry for this variant (Variation ID: 2563053). Invitae Evidence Modeling of protein sequence and biophysical properties (such as structural, functional, and spatial information, amino acid conservation, physicochemical variation, residue mobility, and thermodynamic stability) indicates that this missense variant is expected to disrupt MYH7 protein function with a positive predictive value of 95%. In summary, the available evidence is currently insufficient to determine the role of this variant in disease. Therefore, it has been classified as a Variant of Uncertain Significance.

Ambry Genetics
Classification: Uncertain significance for Cardiovascular phenotype. Last evaluated: 2023-05-08. Review status: criteria provided, single submitter. Criteria: Ambry Variant Classification Scheme 2023. Collection method: clinical testing. Allele origin: germline.
Comment: The p.M349R variant (also known as c.1046T>G), located in coding exon 10 of the MYH7 gene, results from a T to G substitution at nucleotide position 1046. The methionine at codon 349 is replaced by arginine, an amino acid with similar properties. This amino acid position is poorly conserved in available vertebrate species. In addition, the in silico prediction for this alteration is inconclusive. Since supporting evidence is limited at this time, the clinical significance of this alteration remains unclear.

NM_000257.4(MYH7):c.1046T>G (p.Met349Arg)

Gene: MYH7 (myosin heavy chain 7; minus strand). Cytogenetic location: 14q11.2.
Variant type: single nucleotide variant.
Coding change: c.1046T>G on transcript NM_000257.4 (MANE Select); coding-DNA position 1046, T replaced by G.
Protein change: p.Met349Arg; replaces methionine 349 with arginine.
Molecular consequence: missense variant.
Genome position (GRCh38, 1-based): chr14:23,429,867, A>C on the plus strand (T>G on the coding strand, the complement: MYH7 is on the minus strand). VCF-style: chr14-23429867-A-C. GRCh37 (hg19) VCF-style: chr14-23899076-A-C.
Other names: c.1046T>G, p.Met349Arg (NM_001407004.1); short protein forms M349R.
Identifiers: ClinVar variation 2563053 (VCV002563053.5), dbSNP rs121913640, ClinGen allele CA389051475.